The following is an entry in ClinVar:

ClinVar aggregate classification (germline): Uncertain significance. Review status: criteria provided, multiple submitters, no conflicts (2 of 4 stars). 2 submissions from 2 submitters: Uncertain significance (2). Last evaluated 2022-09-27.

Conditions:
Idiopathic generalized epilepsy. Also called: Generalised epilepsy; EIG. Identifiers: MedGen C0270850, MONDO:0005579, OMIM 600669.
Hyperaldosteronism, familial, type IV (HALD4). Also called: FH IV; ALDOSTERONISM, PRIMARY, AND HYPERTENSION. Identifiers: Orphanet 642671, MedGen C4310756, MONDO:0014875, OMIM 617027.
Epilepsy, childhood absence, susceptibility to, 6. Identifiers: Orphanet 64280, MedGen C2749872, MONDO:0012763, OMIM 611942.

Submissions (2):

Labcorp Genetics (formerly Invitae), Labcorp
Classification: Uncertain significance for Idiopathic generalized epilepsy; Hyperaldosteronism, familial, type IV. Last evaluated: 2022-09-27. Review status: criteria provided, single submitter. Criteria: Invitae Variant Classification Sherloc (09022015). Collection method: clinical testing. Allele origin: germline.
Comment: This variant is not present in population databases (gnomAD no frequency). This variant has not been reported in the literature in individuals affected with CACNA1H-related conditions. ClinVar contains an entry for this variant (Variation ID: 1386078). This sequence change replaces methionine, which is neutral and non-polar, with arginine, which is basic and polar, at codon 1531 of the CACNA1H protein (p.Met1531Arg). Advanced modeling of protein sequence and biophysical properties (such as structural, functional, and spatial information, amino acid conservation, physicochemical variation, residue mobility, and thermodynamic stability) performed at Invitae indicates that this missense variant is not expected to disrupt CACNA1H protein function. In summary, the available evidence is currently insufficient to determine the role of this variant in disease. Therefore, it has been classified as a Variant of Uncertain Significance.

Fulgent Genetics
Classification: Uncertain significance for Epilepsy, childhood absence, susceptibility to, 6; Hyperaldosteronism, familial, type IV. Last evaluated: 2021-12-06. Review status: criteria provided, single submitter. Criteria: ACMG Guidelines, 2015. Collection method: clinical testing. Allele origin: unknown.

NM_021098.3(CACNA1H):c.4592T>G (p.Met1531Arg)

Gene: CACNA1H (calcium voltage-gated channel subunit alpha1 H; plus strand). Cytogenetic location: 16p13.3.
Variant type: single nucleotide variant.
Coding change: c.4592T>G on transcript NM_021098.3 (MANE Select); coding-DNA position 4592, T replaced by G.
Protein change: p.Met1531Arg; replaces methionine 1531 with arginine.
Molecular consequence: missense variant.
Genome position (GRCh38, 1-based): chr16:1,211,971, T>G. VCF-style: chr16-1211971-T-G. GRCh37 (hg19) VCF-style: chr16-1261971-T-G.
Other names: c.4592T>G, p.Met1531Arg (NM_001005407.2); short protein forms M1531R.
Identifiers: ClinVar variation 1386078 (VCV001386078.7), dbSNP rs2141351732, ClinGen allele CA394180632.
Genomic context (GRCh38, chr16:1,211,971, plus strand): 5'-CAGGCGGGCGGGGACCCACCGCCTCTGTGCCACAGCCTGTGCAGAACCACAACCCCTGGA[T>G]GCTGCTGTACTTCATCTCCTTCCTGCTCATCGTCAGCTTCTTCGTGCTCAACATGTTCGT-3'
Protein context (NP_066921.2, residues 1521-1541): QQPVQNHNPW[Met1531Arg]LLYFISFLLI